The following is an entry in ClinVar:

ClinVar aggregate classification (germline): Likely benign. Review status: reviewed by expert panel (3 of 4 stars). 3 submissions from 3 submitters: Likely benign (1). 2 of the submissions do not count toward it. Last evaluated 2017-06-29.

Conditions:
Hereditary breast ovarian cancer syndrome. Also called: Hereditary breast and ovarian cancer syndrome; Hereditary breast and ovarian cancer syndrome (HBOC); BRCA1- and BRCA2-Associated Hereditary Breast and Ovarian Cancer; Breast and ovarian cancer; Hereditary breast and ovarian cancer; Hereditary breast and/or ovarian cancer syndrome. Identifiers: Orphanet 145, MedGen C0677776, MeSH D061325, MONDO:0003582. Disease mechanism: loss of function.
Hereditary cancer-predisposing syndrome. Also called: Hereditary Cancer Syndrome; Hereditary neoplastic syndrome; Tumor predisposition; Neoplastic Syndromes, Hereditary. Identifiers: Orphanet 140162, MedGen C0027672, MeSH D009386, MONDO:0015356.
Breast-ovarian cancer, familial, susceptibility to, 1 (BROVCA1). Also called: OVARIAN CANCER, SUSCEPTIBILITY TO; BRCA1 Hereditary Breast and Ovarian Cancer. Identifiers: Orphanet 145, MedGen C2676676, MONDO:0011450, OMIM 604370. Disease mechanism: loss of function.

Submissions (3):

Evidence-based Network for the Interpretation of Germline Mutant Alleles (ENIGMA)
Classification: Likely benign for Breast-ovarian cancer, familial, susceptibility to, 1. Last evaluated: 2017-06-29. Review status: reviewed by expert panel. Criteria: ENIGMA BRCA1/2 Classification Criteria (2017-06-29). Collection method: curation. Allele origin: germline.
Comment: Synonymous substitution variant, with low bioinformatic likelihood to result in a splicing aberration (Splicing prior probability 0.02).

Labcorp Genetics (formerly Invitae), Labcorp
Classification: Likely benign for Hereditary breast ovarian cancer syndrome. Last evaluated: 2025-02-06. Review status: criteria provided, single submitter. Criteria: Invitae Variant Classification Sherloc (09022015). Collection method: clinical testing. Allele origin: germline. Not counted in ClinVar's aggregate classification.

Ambry Genetics
Classification: Likely benign for Hereditary cancer-predisposing syndrome. Last evaluated: 2014-12-03. Review status: criteria provided, single submitter. Criteria: Ambry Variant Classification Scheme 2023. Collection method: clinical testing. Allele origin: germline. Not counted in ClinVar's aggregate classification.

NM_007294.4(BRCA1):c.1926T>C (p.Asp642=)

Gene: BRCA1 (BRCA1 DNA repair associated; minus strand). Cytogenetic location: 17q21.31.
Variant type: single nucleotide variant.
Coding change: c.1926T>C on transcript NM_007294.4 (MANE Select); coding-DNA position 1926, T replaced by C.
Protein change: p.Asp642=; no amino-acid change (aspartic acid 642 retained).
Molecular consequence: synonymous variant. On other transcripts: intron variant (137).
Genome position (GRCh38, 1-based): chr17:43,093,605, A>G on the plus strand (T>C on the coding strand, the complement: BRCA1 is on the minus strand). VCF-style: chr17-43093605-A-G. GRCh37 (hg19) VCF-style: chr17-41245622-A-G.
Other names: c.784+1139T>C (NM_001408401.1, NM_001408396.1, NM_001407985.1 and 13 more transcripts); c.548-2573T>C (NM_001408494.1); c.664+1139T>C (NM_001408444.1, NM_001408438.1, NM_001408430.1 and 12 more transcripts); c.670+2241T>C (NM_001408423.1, NM_001408420.1, NM_001408419.1 and 2 more transcripts); c.787+1139T>C (NM_001408404.1, NM_001408472.1, NM_001407990.1 and 19 more transcripts); c.577+1139T>C (NM_001408492.1, NM_001408513.1, NM_001408489.1 and 9 more transcripts); c.643+1139T>C (NM_001408468.1, NM_001408465.1, NM_001408463.1 and 3 more transcripts); c.523+1139T>C (NM_001408501.1, NM_001408500.1, NM_001408497.1 and 3 more transcripts); and 40 more.
Identifiers: ClinVar variation 187420 (VCV000187420.13), dbSNP rs786203720, ClinGen allele CA001273.